The following is an entry in ClinVar:

ClinVar aggregate classification (germline): Benign. Review status: reviewed by expert panel (3 of 4 stars). 2 submissions from 2 submitters: Benign (1). 1 of the submissions does not count toward it. Last evaluated 2015-01-12.

Conditions:
Hereditary breast ovarian cancer syndrome. Also called: Hereditary breast and ovarian cancer syndrome; Hereditary breast and ovarian cancer syndrome (HBOC); Hereditary breast and ovarian cancer; Hereditary breast and/or ovarian cancer syndrome; BRCA1- and BRCA2-Associated Hereditary Breast and Ovarian Cancer; Breast and ovarian cancer. Identifiers: Orphanet 145, MedGen C0677776, MeSH D061325, MONDO:0003582. Disease mechanism: loss of function.
Breast-ovarian cancer, familial, susceptibility to, 1 (BROVCA1). Also called: OVARIAN CANCER, SUSCEPTIBILITY TO; BRCA1 Hereditary Breast and Ovarian Cancer. Identifiers: Orphanet 145, MedGen C2676676, MONDO:0011450, OMIM 604370. Disease mechanism: loss of function.

Allele frequency attached by ClinVar (database versions not stated): gnomAD 0.31733; TOPMed 0.30286; 1000 Genomes Project 30x 0.34822; 1000 Genomes Project 0.35403.
gnomAD v4.1: 48,185 of 152,070 alleles (32%); highest among the groups gnomAD compares: South Asian, 49%; 7,977 homozygotes.

Submissions (2):

Evidence-based Network for the Interpretation of Germline Mutant Alleles (ENIGMA)
Classification: Benign for Breast-ovarian cancer, familial 1. Last evaluated: 2015-01-12. Review status: reviewed by expert panel. Criteria: ENIGMA BRCA1/2 Classification Criteria (2015). Collection method: curation. Allele origin: germline.
Comment: Class 1 not pathogenic based on frequency >1% in an outbred sampleset. Frequency 0.33 (Asian), 0.22 (African), 0.36 (European), derived from 1000 genomes (2012-04-30).

Labcorp Genetics (formerly Invitae), Labcorp
Classification: Benign for Hereditary breast ovarian cancer syndrome. Last evaluated: 2026-02-02. Review status: criteria provided, single submitter. Criteria: Invitae Variant Classification Sherloc (09022015). Collection method: clinical testing. Allele origin: germline. Not counted in ClinVar's aggregate classification.

NC_000017.11:g.43126360G>A

Genes: NBR2 (neighbor of BRCA1 lncRNA 2; plus strand), BRCA1 (BRCA1 DNA repair associated; minus strand), LOC111589215 (BRCA1 promoter region; plus strand). Cytogenetic location: 17q21.31.
Variant type: single nucleotide variant.
Molecular consequence: intron variant (on NM_001408458.1).
Genome position: GRCh38 VCF-style: chr17-43126360-G-A. GRCh37 (hg19) VCF-style: chr17-41278377-G-A.
Other names: -990 C>T; c.-61-10581C>T (NM_001408458.1).
Identifiers: ClinVar variation 209583 (VCV000209583.10), dbSNP rs11655505, ClinGen allele CA276552.